The following is an entry in ClinVar:

ClinVar aggregate classification (germline): Pathogenic (1 of 4 stars; one submission).

Submission:

Labcorp Genetics (formerly Invitae), Labcorp
Classification: Pathogenic. Last evaluated: 2026-01-20. Review status: criteria provided, single submitter. Criteria: Invitae Variant Classification Sherloc (09022015). Collection method: clinical testing. Allele origin: germline.
Comment: This sequence change creates a premature translational stop signal (p.Thr680Hisfs*93) in the RFX6 gene. It is expected to result in an absent or disrupted protein product. Loss-of-function variants in RFX6 are known to be pathogenic (PMID: 20148032). This variant is not present in population databases (gnomAD no frequency). This variant has not been reported in the literature in individuals affected with RFX6-related conditions. For these reasons, this variant has been classified as Pathogenic.

Literature cited by the submitters: PubMed 20148032.

NM_173560.4(RFX6):c.2037del (p.Thr680fs)

Gene: RFX6 (regulatory factor X6; plus strand). Cytogenetic location: 6q22.1.
Variant type: Deletion.
Coding change: c.2037del on transcript NM_173560.4 (MANE Select); coding-DNA position 2037, one base deleted (C; older notation c.2037delC).
Protein change: p.Thr680fs; shifts the reading frame from threonine 680.
Molecular consequence: frameshift variant.
Genome position (GRCh38, 1-based): chr6:116,927,178, C deleted; the last of 2 consecutive C bases (chr6:116,927,177-116,927,178); deleting either gives the same sequence. VCF-style (leftmost placement, unchanged base first): chr6-116927176-TC-T. GRCh37 (hg19) VCF-style: chr6-117248339-TC-T.
Other names: short protein forms T680fs.
Identifiers: ClinVar variation 4744824 (VCV004744824.1).